The following is an entry in ClinVar:

NM_001127511.3(APC):c.-10G>T

Gene: APC (APC regulator of Wnt signaling pathway; plus strand). Cytogenetic location: 5q22.2.
Variant type: single nucleotide variant.
Coding change: c.-10G>T on transcript NM_001127511.3; 10 bases upstream of the start codon, G replaced by T.
Molecular consequence: 5 prime UTR variant. On other transcripts: non-coding transcript variant (1), intron variant (5).
Genome position (GRCh38, 1-based): chr5:112,707,708, G>T. VCF-style: chr5-112707708-G-T. GRCh37 (hg19) VCF-style: chr5-112043405-G-T.
Other names: c.-193G>T (NM_001354895.2, NM_001407447.1, NM_001407452.1 and 3 more transcripts); c.-10G>T (NM_001354897.2, NM_001354902.2, NM_001407446.1); c.-1228G>T (NM_001407470.1, NM_001407472.1); c.-19+59G>T (NM_001407448.1, NM_001407450.1, NM_001407457.1 and 1 more transcripts); c.-43+59G>T (NM_001407453.1).
Identifiers: ClinVar variation 1047363 (VCV001047363.9), dbSNP rs1184095408, ClinGen allele CA561890272.

ClinVar aggregate classification (germline): Uncertain significance (1 of 4 stars; one submission).

Conditions:
Familial adenomatous polyposis 1 (FAP1). Also called: FAMILIAL ADENOMATOUS POLYPOSIS 1, ATTENUATED; POLYPOSIS, ADENOMATOUS INTESTINAL. Identifiers: MedGen C2713442, MONDO:0021056, OMIM 175100. Disease mechanism: loss of function.

Allele frequency attached by ClinVar (database versions not stated): TOPMed 0.00001; gnomAD exomes below 0.00001 and 0.00001; gnomAD 0.00001.
gnomAD v4.1: 5 of 1,370,494 alleles (0.00036%); highest among the groups gnomAD compares: South Asian, 0.0024%; no homozygotes.

Submission:

Labcorp Genetics (formerly Invitae), Labcorp
Classification: Uncertain significance for Familial adenomatous polyposis 1. Last evaluated: 2026-01-20. Review status: criteria provided, single submitter. Criteria: Invitae Variant Classification Sherloc (09022015). Collection method: clinical testing. Allele origin: germline.
Comment: This variant occurs in a non-coding region of the APC gene. It does not change the encoded amino acid sequence of the APC protein. The frequency data for this variant in the population databases is considered unreliable, as metrics indicate poor data quality at this position in the gnomAD database. This variant has not been reported in the literature in individuals affected with APC-related conditions. Experimental studies and prediction algorithms are not available or were not evaluated, and the functional significance of this variant is currently unknown. In summary, the available evidence is currently insufficient to determine the role of this variant in disease. Therefore, it has been classified as a Variant of Uncertain Significance.